The following is an entry in ClinVar:

NM_005430.4(WNT1):c.793C>A (p.Arg265Ser)

Gene: WNT1 (Wnt family member 1; plus strand). Cytogenetic location: 12q13.12.
Variant type: single nucleotide variant.
Coding change: c.793C>A on transcript NM_005430.4 (MANE Select); coding-DNA position 793, C replaced by A.
Protein change: p.Arg265Ser; replaces arginine 265 with serine.
Molecular consequence: missense variant.
Genome position (GRCh38, 1-based): chr12:48,981,320, C>A. VCF-style: chr12-48981320-C-A. GRCh37 (hg19) VCF-style: chr12-49375103-C-A.
Other names: short protein forms R265S.
Identifiers: ClinVar variation 1208246 (VCV001208246.10), dbSNP rs546009490, ClinGen allele CA6544477.

ClinVar aggregate classification (germline): Uncertain significance. Review status: criteria provided, multiple submitters, no conflicts (2 of 4 stars). 4 submissions from 4 submitters: Uncertain significance (4). Last evaluated 2026-06-22.

Conditions:
Inborn genetic diseases. Identifiers: MedGen C0950123, MeSH D030342.

Allele frequency attached by ClinVar (database versions not stated): gnomAD 0.00023 and 0.00024; 1000 Genomes Project 0.00060; 1000 Genomes Project 30x 0.00062.
gnomAD v4.1: 124 of 1,570,404 alleles (0.0079%); highest among the groups gnomAD compares: Admixed American, 0.093%; no homozygotes.

Submissions (4):

Women's Health and Genetics/Laboratory Corporation of America, LabCorp
Classification: Uncertain significance. Last evaluated: 2026-06-22. Review status: criteria provided, single submitter. Criteria: LabCorp Variant Classification Summary - May 2015. Collection method: clinical testing. Allele origin: germline.
Comment: Variant summary: WNT1 c.793C>A (p.Arg265Ser) results in a non-conservative amino acid change in the encoded protein sequence. Algorithms developed to predict the effect of missense changes on protein structure and function are either unavailable or do not agree on the potential impact of this missense change. The variant allele was found at a frequency of 7e-05 in 170474 control chromosomes. This frequency is not significantly higher than estimated for disease-causing variants in WNT1, allowing no conclusion about variant significance. c.793C>A has been observed in at least one individual(s) with a heterozyogus genotype affected with WNT1-related conditions (e.g. Rouleau_2022, Mancini_2024). These data do not allow any conclusion about variant significance. To our knowledge, no experimental evidence demonstrating an impact on protein function has been reported. The following publications have been ascertained in the context of this evaluation (PMID: 39316135, 35252483). ClinVar contains an entry for this variant (Variation ID: 1208246). Based on the evidence outlined above, the variant was classified as uncertain significance.

Labcorp Genetics (formerly Invitae), Labcorp
Classification: Uncertain significance. Last evaluated: 2024-12-19. Review status: criteria provided, single submitter. Criteria: Invitae Variant Classification Sherloc (09022015). Collection method: clinical testing. Allele origin: germline.
Comment: This sequence change replaces arginine, which is basic and polar, with serine, which is neutral and polar, at codon 265 of the WNT1 protein (p.Arg265Ser). This variant is present in population databases (rs546009490, gnomAD 0.04%). This missense change has been observed in individual(s) with osteoporosis (PMID: 35252483). ClinVar contains an entry for this variant (Variation ID: 1208246). An algorithm developed to predict the effect of missense changes on protein structure and function (PolyPhen-2) suggests that this variant¬†is likely to be tolerated. In summary, the available evidence is currently insufficient to determine the role of this variant in disease. Therefore, it has been classified as a Variant of Uncertain Significance.

Ambry Genetics
Classification: Uncertain significance for Inborn genetic diseases. Last evaluated: 2021-04-28. Review status: criteria provided, single submitter. Criteria: Ambry Variant Classification Scheme 2023. Collection method: clinical testing. Allele origin: germline.

GeneDx
Classification: Uncertain significance. Last evaluated: 2019-10-10. Review status: criteria provided, single submitter. Criteria: GeneDx Variant Classification Process June 2021. Collection method: clinical testing. Allele origin: germline. Affected: yes.
Comment: In silico analysis, which includes protein predictors and evolutionary conservation, supports that this variant does not alter protein structure/function; Has not been previously published as pathogenic or benign in association with osteogenesis imperfecta to our knowledge

Literature cited by the submitters: PubMed 39316135 (cited by Women's Health and Genetics/Laboratory Corporation of America, LabCorp); PubMed 35252483 (cited by Women's Health and Genetics/Laboratory Corporation of America, LabCorp and Labcorp Genetics (formerly Invitae), Labcorp).